The following is an entry in ClinVar:

NR_033294.2(SNORD118):n.115C>T

Genes: SNORD118 (small nucleolar RNA, C/D box 118; minus strand), TMEM107 (transmembrane protein 107; minus strand). Cytogenetic location: 17p13.1.
Variant type: single nucleotide variant.
Molecular consequence: non-coding transcript variant (on NR_033294.2). On other transcripts: 3 prime UTR variant (5).
Genome position: GRCh38 VCF-style: chr17-8173474-G-A. GRCh37 (hg19) VCF-style: chr17-8076792-G-A.
Other names: c.*729C>T (NM_001351278.2, NM_001351279.2, NM_001351280.2 and 2 more transcripts).
Identifiers: ClinVar variation 1510987 (VCV001510987.12), dbSNP rs148801759, ClinGen allele CA8370596.

ClinVar aggregate classification (germline): Uncertain significance. Review status: criteria provided, multiple submitters, no conflicts (2 of 4 stars). 3 submissions from 3 submitters: Uncertain significance (3). Last evaluated 2026-01-12.

Allele frequency attached by ClinVar (database versions not stated): ESP Exome Variant Server 0.00087; 1000 Genomes Project 0.00100; 1000 Genomes Project 30x 0.00109.
gnomAD v4.1: 546 of 764,652 alleles (0.071%); highest among the groups gnomAD compares: East Asian, 0.21%; 1 homozygote.

Submissions (3):

Labcorp Genetics (formerly Invitae), Labcorp
Classification: Uncertain significance. Last evaluated: 2026-01-12. Review status: criteria provided, single submitter. Criteria: Invitae Variant Classification Sherloc (09022015). Collection method: clinical testing. Allele origin: germline.
Comment: This variant occurs in the SNORD118 gene, which encodes an RNA molecule that does not result in a protein product. This variant is present in population databases (rs148801759, gnomAD 0.1%), including at least one homozygous and/or hemizygous individual. This variant has not been reported in the literature in individuals affected with SNORD118-related conditions. ClinVar contains an entry for this variant (Variation ID: 1510987). Experimental studies and prediction algorithms are not available or were not evaluated, and the functional significance of this variant is currently unknown. In summary, the available evidence is currently insufficient to determine the role of this variant in disease. Therefore, it has been classified as a Variant of Uncertain Significance.

CeGaT Center for Human Genetics Tuebingen
Classification: Uncertain significance. Last evaluated: 2025-11-01. Review status: criteria provided, single submitter. Criteria: CeGaT Center For Human Genetics Tuebingen Variant Classification Criteria Version 2. Collection method: clinical testing. Allele origin: germline. Affected: yes. Observed: 1 variant allele.
Comment: SNORD118: PP3

Breakthrough Genomics
Classification: Uncertain significance. Review status: criteria provided, single submitter. Criteria: ACMG Guidelines, 2015. Collection method: not provided. Allele origin: germline. Inheritance: Autosomal recessive inheritance. Affected: yes.